The following is an entry in ClinVar:

ClinVar aggregate classification (germline): Pathogenic (1 of 4 stars; one submission).

Conditions:
Immunodeficiency 18 (IMD18). Also called: CD3epsilon deficiency; CD3-EPSILON DEFICIENCY. Identifiers: MedGen C3810127, MONDO:0014278, OMIM 615615.

Submission:

Labcorp Genetics (formerly Invitae), Labcorp
Classification: Pathogenic for Immunodeficiency 18. Last evaluated: 2023-05-14. Review status: criteria provided, single submitter. Criteria: Invitae Variant Classification Sherloc (09022015). Collection method: clinical testing. Allele origin: germline.
Comment: For these reasons, this variant has been classified as Pathogenic. This variant has not been reported in the literature in individuals affected with CD3E-related conditions. This variant is not present in population databases (gnomAD no frequency). This sequence change creates a premature translational stop signal (p.Lys158*) in the CD3E gene. It is expected to result in an absent or disrupted protein product. Loss-of-function variants in CD3E are known to be pathogenic (PMID: 8490660, 15546002).

Literature cited by the submitters: PubMed 8490660; PubMed 15546002.

NM_000733.4(CD3E):c.472A>T (p.Lys158Ter)

Gene: CD3E (CD3 epsilon subunit of T-cell receptor complex; plus strand). Cytogenetic location: 11q23.3.
Variant type: single nucleotide variant.
Coding change: c.472A>T on transcript NM_000733.4 (MANE Select); coding-DNA position 472, A replaced by T.
Protein change: p.Lys158Ter; replaces lysine 158 with a stop codon.
Molecular consequence: nonsense.
Genome position (GRCh38, 1-based): chr11:118,313,826, A>T. VCF-style: chr11-118313826-A-T. GRCh37 (hg19) VCF-style: chr11-118184541-A-T.
Other names: short protein forms K158*.
Identifiers: ClinVar variation 2864291 (VCV002864291.3), dbSNP rs2496837031, ClinGen allele CA382784240.